The following is an entry in ClinVar:

ClinVar aggregate classification (germline): Uncertain significance (1 of 4 stars; one submission).

Conditions:
Bainbridge-Ropers syndrome. Also called: Severe feeding difficulties-failure to thrive-microcephaly due to ASXL3 deficiency syndrome. Identifiers: Orphanet 352577, MedGen C4750837, MONDO:0014205, OMIM 615485.

Submission:

Laboratorio de Genetica e Diagnostico Molecular, Hospital Israelita Albert Einstein
Classification: Uncertain significance for Bainbridge-Ropers syndrome. Last evaluated: 2024-05-28. Review status: criteria provided, single submitter. Criteria: ACMG Guidelines, 2015. Collection method: clinical testing. Allele origin: germline. Affected: yes.
Comment: ACMG classification criteria: PVS1 strong, PM2 supporting

NM_030632.3(ASXL3):c.3032del (p.Pro1011fs)

Gene: ASXL3 (ASXL transcriptional regulator 3; plus strand). Cytogenetic location: 18q12.1.
Variant type: Deletion.
Coding change: c.3032del on transcript NM_030632.3 (MANE Select); coding-DNA position 3032, one base deleted (C; older notation c.3032delC).
Protein change: p.Pro1011fs; shifts the reading frame from proline 1011.
Molecular consequence: frameshift variant.
Genome position (GRCh38, 1-based): chr18:33,740,436, C deleted; the last of 5 consecutive C bases (chr18:33,740,432-33,740,436); deleting any one gives the same sequence. VCF-style (leftmost placement, unchanged base first): chr18-33740431-TC-T. GRCh37 (hg19) VCF-style: chr18-31320395-TC-T.
Other names: short protein forms P1011fs.
Identifiers: ClinVar variation 3901005 (VCV003901005.1).
Genomic context (GRCh38, chr18:33,740,431, plus strand): 5'-GAACATATCATCTAGCAGCCCACCTGAGAAAGAACAGCCTCCCAGAGAGGAACCAAGGGT[TC>T]CCCCTCTCAAGGTATGGTATTAAATAAACAAAAGGCAATTCCGTAGATAGGCTTTTCCTA-3'